The following is an entry in ClinVar:

ClinVar aggregate classification (germline): Uncertain significance (1 of 4 stars; one submission).

Conditions:
Singleton-Merten syndrome 1 (SGMRT1). Also called: Widened medullary cavities of bone, aortic calcification, abnormal dentition, and muscular weakness; Syndrome of widened medullary cavities of the metacarpals and phalanges, aortic calcification and abnormal dentition. Identifiers: Orphanet 85191, MedGen C4225427, MONDO:0024535, OMIM 182250.
Aicardi-Goutieres syndrome 7 (AGS7). Identifiers: Orphanet 51, MedGen C3888244, MONDO:0014367, OMIM 615846.

Allele frequency attached by ClinVar (database versions not stated): gnomAD exomes below 0.00001.
gnomAD v4.1: 1 of 1,614,170 alleles (0.000062%); highest among the groups gnomAD compares: South Asian, 0.0011%; no homozygotes.

Submission:

Labcorp Genetics (formerly Invitae), Labcorp
Classification: Uncertain significance for Aicardi-Goutieres syndrome 7; Singleton-Merten syndrome 1. Last evaluated: 2023-08-22. Review status: criteria provided, single submitter. Criteria: Invitae Variant Classification Sherloc (09022015). Collection method: clinical testing. Allele origin: germline.
Comment: In summary, the available evidence is currently insufficient to determine the role of this variant in disease. Therefore, it has been classified as a Variant of Uncertain Significance. Advanced modeling of protein sequence and biophysical properties (such as structural, functional, and spatial information, amino acid conservation, physicochemical variation, residue mobility, and thermodynamic stability) has been performed at Invitae for this missense variant, however the output from this modeling did not meet the statistical confidence thresholds required to predict the impact of this variant on IFIH1 protein function. ClinVar contains an entry for this variant (Variation ID: 1442230). This variant has not been reported in the literature in individuals affected with IFIH1-related conditions. This variant is not present in population databases (gnomAD no frequency). This sequence change replaces threonine, which is neutral and polar, with isoleucine, which is neutral and non-polar, at codon 86 of the IFIH1 protein (p.Thr86Ile).

NM_022168.4(IFIH1):c.257C>T (p.Thr86Ile)

Gene: IFIH1 (interferon induced with helicase C domain 1; minus strand). Cytogenetic location: 2q24.2.
Variant type: single nucleotide variant.
Coding change: c.257C>T on transcript NM_022168.4 (MANE Select); coding-DNA position 257, C replaced by T.
Protein change: p.Thr86Ile; replaces threonine 86 with isoleucine.
Molecular consequence: missense variant.
Genome position (GRCh38, 1-based): chr2:162,318,051, G>A on the plus strand (C>T on the coding strand, the complement: IFIH1 is on the minus strand). VCF-style: chr2-162318051-G-A. GRCh37 (hg19) VCF-style: chr2-163174561-G-A.
Other names: short protein forms T86I.
Identifiers: ClinVar variation 1442230 (VCV001442230.6), dbSNP rs2105238259, ClinGen allele CA349013745.